The following is an entry in ClinVar:

ClinVar aggregate classification (germline): Likely pathogenic (1 of 4 stars; one submission).

Conditions:
Ehlers-Danlos syndrome, type 4 (EDSVASC). Also called: Ehlers-Danlos Syndrome Type IV; Ehlers-Danlos syndrome vascular type; Ehlers Danlos syndrome, ecchymotic type; Ehlers Danlos syndrome, arterial type; Ehlers Danlos syndrome, Sack-Barabas type. Identifiers: Orphanet 286, MedGen C0268338, MONDO:0017314, OMIM 130050.

Submission:

Labcorp Genetics (formerly Invitae), Labcorp
Classification: Likely pathogenic for Ehlers-Danlos syndrome, type 4. Last evaluated: 2023-12-10. Review status: criteria provided, single submitter. Criteria: Invitae Variant Classification Sherloc (09022015). Collection method: clinical testing. Allele origin: germline.
Comment: This sequence change replaces glycine, which is neutral and non-polar, with aspartic acid, which is acidic and polar, at codon 1062 of the COL3A1 protein (p.Gly1062Asp). This variant is not present in population databases (gnomAD no frequency). This missense change has been observed in individual(s) with clinical features of vascular Ehlers-Danlos syndrome (Invitae). Advanced modeling of protein sequence and biophysical properties (such as structural, functional, and spatial information, amino acid conservation, physicochemical variation, residue mobility, and thermodynamic stability) performed at Invitae indicates that this missense variant is expected to disrupt COL3A1 protein function with a positive predictive value of 95%. This variant disrupts the triple helix domain of COL3A1. Glycine residues within the Gly-Xaa-Yaa repeats of the triple helix domain are required for the structure and stability of fibrillar collagens (PMID: 7695699, 8218237, 19344236). In COL3A1, variants that affect these glycine residues are significantly enriched in individuals with disease (PMID: 24922459, 25758994) compared to the general population (ExAC). In summary, the currently available evidence indicates that the variant is pathogenic, but additional data are needed to prove that conclusively. Therefore, this variant has been classified as Likely Pathogenic.

Literature cited by the submitters: PubMed 7695699; PubMed 8218237; PubMed 19344236; PubMed 24922459; PubMed 25758994.

NM_000090.4(COL3A1):c.3185G>A (p.Gly1062Asp)

Gene: COL3A1 (collagen type III alpha 1 chain; plus strand). Cytogenetic location: 2q32.2.
Variant type: single nucleotide variant.
Coding change: c.3185G>A on transcript NM_000090.4 (MANE Select); coding-DNA position 3185, G replaced by A.
Protein change: p.Gly1062Asp; replaces glycine 1062 with aspartic acid.
Molecular consequence: missense variant.
Genome position (GRCh38, 1-based): chr2:189,006,436, G>A. VCF-style: chr2-189006436-G-A. GRCh37 (hg19) VCF-style: chr2-189871162-G-A.
Other names: short protein forms G1062D.
Identifiers: ClinVar variation 2768135 (VCV002768135.3), dbSNP rs2469158240, ClinGen allele CA349845179.
Genomic context (GRCh38, chr2:189,006,436, plus strand): 5'-CCCCTGGCGCTCCTGGTCATCCAGGCCCACCTGGTCCTGTCGGTCCAGCTGGAAAGAGTG[G>A]TGACAGAGGAGAAAGTGTGAGTTCCCAAAAGCAGCATCTGTCTTGTTTGTCTATTTCCTT-3'
Protein context (NP_000081.2, residues 1052-1072): PGPVGPAGKS[Gly1062Asp]DRGESGPAGP